The following is an entry in ClinVar:

NM_000368.5(TSC1):c.3120C>T (p.Ser1040=)

Gene: TSC1 (TSC complex subunit 1; minus strand). Cytogenetic location: 9q34.13.
Variant type: single nucleotide variant.
Coding change: c.3120C>T on transcript NM_000368.5 (MANE Select); coding-DNA position 3120, C replaced by T.
Protein change: p.Ser1040=; no amino-acid change (serine 1040 retained).
Molecular consequence: synonymous variant.
Genome position (GRCh38, 1-based): chr9:132,896,610, G>A on the plus strand (C>T on the coding strand, the complement: TSC1 is on the minus strand). VCF-style: chr9-132896610-G-A. GRCh37 (hg19) VCF-style: chr9-135771997-G-A.
Other names: c.3117C>T, p.Ser1039= (NM_001162426.2); c.2967C>T, p.Ser989= (NM_001162427.2); c.2757C>T, p.Ser919= (NM_001362177.2).
Identifiers: ClinVar variation 534502 (VCV000534502.16), dbSNP rs1289954163, ClinGen allele CA467812833.

ClinVar aggregate classification (germline): Conflicting classifications of pathogenicity. Review status: criteria provided, conflicting classifications (1 of 4 stars). 4 submissions from 4 submitters: Uncertain significance (1); Benign (1); Likely benign (2). Last evaluated 2025-11-05.

Conditions:
Tuberous sclerosis 1 (TSC1). Identifiers: Orphanet 805, MedGen C1854465, MONDO:0008612, OMIM 191100.
Hereditary cancer-predisposing syndrome. Also called: Neoplastic Syndromes, Hereditary; Hereditary neoplastic syndrome; Tumor predisposition; Hereditary Cancer Syndrome. Identifiers: Orphanet 140162, MedGen C0027672, MeSH D009386, MONDO:0015356.

Allele frequency attached by ClinVar (database versions not stated): gnomAD exomes below 0.00001; gnomAD 0.00001; TOPMed 0.00001.
gnomAD v4.1: 3 of 1,613,582 alleles (0.00019%); highest among the groups gnomAD compares: African/African-American, 0.004%; no homozygotes.

Submissions (4):

Labcorp Genetics (formerly Invitae), Labcorp
Classification: Likely benign for Tuberous sclerosis 1. Last evaluated: 2025-11-05. Review status: criteria provided, single submitter. Criteria: Invitae Variant Classification Sherloc (09022015). Collection method: clinical testing. Allele origin: germline.

GeneDx
Classification: Uncertain significance. Last evaluated: 2025-05-06. Review status: criteria provided, single submitter. Criteria: GeneDx Variant Classification Process June 2021. Collection method: clinical testing. Allele origin: germline. Affected: yes.
Comment: In silico analysis suggests that this variant does not alter splicing; Has not been previously published as pathogenic or benign to our knowledge

Myriad Genetics, Inc.
Classification: Benign for Tuberous sclerosis 1. Last evaluated: 2025-04-29. Review status: criteria provided, single submitter. Criteria: Myriad Autosomal Dominant, Autosomal Recessive and X-Linked Classification Criteria (2023). Collection method: clinical testing. Allele origin: unknown.
Comment: This variant is considered benign. This variant is a silent/synonymous amino acid change and it is not expected to impact splicing.

Ambry Genetics
Classification: Likely benign for Hereditary cancer-predisposing syndrome. Last evaluated: 2021-08-27. Review status: criteria provided, single submitter. Criteria: Ambry Variant Classification Scheme 2023. Collection method: clinical testing. Allele origin: germline.